The following is an entry in ClinVar:

NM_018191.4(RCBTB1):c.320T>G (p.Leu107Arg)

Gene: RCBTB1 (RCC1 and BTB domain containing protein 1; minus strand). Cytogenetic location: 13q14.2.
Variant type: single nucleotide variant.
Coding change: c.320T>G on transcript NM_018191.4 (MANE Select); coding-DNA position 320, T replaced by G.
Protein change: p.Leu107Arg; replaces leucine 107 with arginine.
Molecular consequence: missense variant. On other transcripts: 5 prime UTR variant (1), non-coding transcript variant (2).
Genome position (GRCh38, 1-based): chr13:49,560,042, A>C on the plus strand (T>G on the coding strand, the complement: RCBTB1 is on the minus strand). VCF-style: chr13-49560042-A-C. GRCh37 (hg19) VCF-style: chr13-50134178-A-C.
Other names: c.320T>G, p.Leu107Arg (NM_001352500.2, NM_001352501.2, NM_001352502.2 and 3 more transcripts); c.-290T>G (NM_001352506.2); short protein forms L107R.
Identifiers: ClinVar variation 1378520 (VCV001378520.9), dbSNP rs762289480, ClinGen allele CA6982919.

ClinVar aggregate classification (germline): Uncertain significance. Review status: criteria provided, multiple submitters, no conflicts (2 of 4 stars). 2 submissions from 2 submitters: Uncertain significance (2). Last evaluated 2024-04-29.

Allele frequency attached by ClinVar (database versions not stated): TOPMed below 0.00001; gnomAD exomes 0.00001 and 0.00002; ExAC 0.00002.
gnomAD v4.1: 28 of 1,614,176 alleles (0.0017%); highest among the groups gnomAD compares: Non-Finnish European, 0.0024%; no homozygotes.

Submissions (2):

Blueprint Genetics
Classification: Uncertain significance. Last evaluated: 2024-04-29. Review status: criteria provided, single submitter. Criteria: ACMG Guidelines, 2015. Collection method: clinical testing. Allele origin: germline.

Labcorp Genetics (formerly Invitae), Labcorp
Classification: Uncertain significance. Last evaluated: 2022-03-19. Review status: criteria provided, single submitter. Criteria: Invitae Variant Classification Sherloc (09022015). Collection method: clinical testing. Allele origin: germline.
Comment: In summary, the available evidence is currently insufficient to determine the role of this variant in disease. Therefore, it has been classified as a Variant of Uncertain Significance. Algorithms developed to predict the effect of missense changes on protein structure and function are either unavailable or do not agree on the potential impact of this missense change (SIFT: "Deleterious"; PolyPhen-2: "Probably Damaging"; Align-GVGD: "Class C0"). This variant has not been reported in the literature in individuals affected with RCBTB1-related conditions. This variant is present in population databases (rs762289480, gnomAD 0.004%). This sequence change replaces leucine, which is neutral and non-polar, with arginine, which is basic and polar, at codon 107 of the RCBTB1 protein (p.Leu107Arg).